The following is an entry in ClinVar:

NM_001134363.3(RBM20):c.313C>T (p.Leu105=)

Gene: RBM20 (RNA binding motif protein 20; plus strand). Cytogenetic location: 10q25.2.
Variant type: single nucleotide variant.
Coding change: c.313C>T on transcript NM_001134363.3 (MANE Select); coding-DNA position 313, C replaced by T.
Protein change: p.Leu105=; no amino-acid change (leucine 105 retained).
Molecular consequence: synonymous variant.
Genome position (GRCh38, 1-based): chr10:110,780,922, C>T. VCF-style: chr10-110780922-C-T. GRCh37 (hg19) VCF-style: chr10-112540680-C-T.
Other names: c.313C>T (NM_001134363.2).
Identifiers: ClinVar variation 44002 (VCV000044002.17), dbSNP rs397516611, ClinGen allele CA133350.

ClinVar aggregate classification (germline): Likely benign. Review status: criteria provided, multiple submitters, no conflicts (2 of 4 stars). 5 submissions from 5 submitters: Likely benign (5). Last evaluated 2025-12-08.

Conditions:
Cardiovascular phenotype. Identifiers: MedGen CN230736.
Dilated cardiomyopathy 1DD (CMD1DD). Identifiers: Orphanet 154, MedGen C2750995, MONDO:0013168, OMIM 613172.

Allele frequency attached by ClinVar (database versions not stated): gnomAD 0.00001; TOPMed 0.00001.
gnomAD v4.1: 21 of 1,551,608 alleles (0.0014%); highest among the groups gnomAD compares: Non-Finnish European, 0.0018%; no homozygotes.

Submissions (5):

Labcorp Genetics (formerly Invitae), Labcorp
Classification: Likely benign for Dilated cardiomyopathy 1DD. Last evaluated: 2025-12-08. Review status: criteria provided, single submitter. Criteria: Invitae Variant Classification Sherloc (09022015). Collection method: clinical testing. Allele origin: germline.

Molecular Diagnostic Laboratory for Inherited Cardiovascular Disease, Montreal Heart Institute
Classification: Likely benign. Last evaluated: 2025-04-09. Review status: criteria provided, single submitter. Criteria: ACMG Guidelines, 2015. Collection method: clinical testing. Allele origin: germline. Affected: no.

Blueprint Genetics
Classification: Likely benign. Last evaluated: 2024-11-15. Review status: criteria provided, single submitter. Criteria: ACMG Guidelines, 2015. Collection method: clinical testing. Allele origin: germline.

Ambry Genetics
Classification: Likely benign for Cardiovascular phenotype. Last evaluated: 2024-07-11. Review status: criteria provided, single submitter. Criteria: Ambry Variant Classification Scheme 2023. Collection method: clinical testing. Allele origin: germline.

Laboratory for Molecular Medicine, Mass General Brigham Personalized Medicine
Classification: Likely benign. Last evaluated: 2013-03-08. Review status: criteria provided, single submitter. Criteria: LMM Criteria. Collection method: clinical testing. Allele origin: germline. Observed: 1 variant allele.
Comment: Leu105Leu in exon 2 of RBM20: This variant is not expected to have clinical sign ificance because it does not alter an amino acid residue and is not located with in the splice consensus sequence. Leu105Leu in exon 2 of RBM20 ( allele freque ncy = n/a)